The following is an entry in ClinVar:

ClinVar aggregate classification (germline): Pathogenic (1 of 4 stars; one submission).

Submission:

GeneDx
Classification: Pathogenic. Last evaluated: 2013-03-05. Review status: criteria provided, single submitter. Criteria: GeneDx Variant Classification (06012015). Collection method: clinical testing. Allele origin: germline. Affected: yes.
Comment: c.4318delG: p.Ala1440GlnfsX36 (A1440QfsX36) in exon 22 of the SCN1A gene (NM_001165963.1). The normal sequence with the base that is deleted in braces is: GTAT{G}CAGC. The c.4318delG mutation in the SCN1A gene causes a frameshift starting with codon Alanine 1440, changes this amino acid to a Glutamine residue and creates a premature Stop codon at position 36 of the new reading frame, denoted p.Ala1440GlnfsX36. It is predicted to cause loss of normal protein function either through protein truncation or nonsense-mediated mRNA decay. Although to our knowledge this mutation has not been previously reported, its presence is consistent with a diagnosis of an SCN1A-related disorder. The variant is found in EPILEPSY panel(s).

NM_001165963.4(SCN1A):c.4318del (p.Ala1440fs)

Genes: SCN1A (sodium voltage-gated channel alpha subunit 1; minus strand), LOC102724058 (uncharacterized LOC102724058; plus strand). Cytogenetic location: 2q24.3.
Variant type: Deletion.
Coding change: c.4318del on transcript NM_001165963.4 (MANE Select); coding-DNA position 4318, one base deleted (G; older notation c.4318delG).
Protein change: p.Ala1440fs; shifts the reading frame from alanine 1440.
Molecular consequence: frameshift variant. On other transcripts: non-coding transcript variant (1).
Genome position (GRCh38, 1-based): chr2:165,999,743, C deleted on the plus strand (G on the coding strand, the reverse complement: SCN1A is on the minus strand). VCF-style (leftmost placement, unchanged base first): chr2-165999742-GC-G. GRCh37 (hg19) VCF-style: chr2-166856252-GC-G.
Other names: c.4234del, p.Ala1412fs (NM_001165964.3, NM_001353957.2, NM_001353958.2); c.4318del, p.Ala1440fs (NM_001202435.3, NM_001353948.2); c.4285del, p.Ala1429fs (NM_001353949.2, NM_001353950.2, NM_001353951.2 and 2 more transcripts); c.4282del, p.Ala1428fs (NM_001353954.2, NM_001353955.2); c.4231del, p.Ala1411fs (NM_001353960.2); c.1876del, p.Ala626fs (NM_001353961.2); short protein forms A1412fs, A1428fs, A1429fs, A626fs, A1411fs, A1440fs.
Identifiers: ClinVar variation 206917 (VCV000206917.1), dbSNP rs796053079, ClinGen allele CA317735.